The following is an entry in ClinVar:

ClinVar aggregate classification (germline): Uncertain significance (1 of 4 stars; one submission).

gnomAD v4.1: 4 of 1,605,340 alleles (0.00025%); highest among the groups gnomAD compares: Admixed American, 0.0051%; no homozygotes.

Submission:

GeneDx
Classification: Uncertain significance. Last evaluated: 2024-11-08. Review status: criteria provided, single submitter. Criteria: GeneDx Variant Classification Process June 2021. Collection method: clinical testing. Allele origin: germline. Affected: yes.
Comment: Not observed at significant frequency in large population cohorts (gnomAD); In silico analysis indicates that this missense variant does not alter protein structure/function; Has not been previously published as pathogenic or benign to our knowledge

NM_139281.3(WDR36):c.168G>C (p.Gln56His)

Gene: WDR36 (WD repeat domain 36; plus strand). Cytogenetic location: 5q22.1.
Variant type: single nucleotide variant.
Coding change: c.168G>C on transcript NM_139281.3 (MANE Select); coding-DNA position 168, G replaced by C.
Protein change: p.Gln56His; replaces glutamine 56 with histidine.
Molecular consequence: missense variant.
Genome position (GRCh38, 1-based): chr5:111,094,925, G>C. VCF-style: chr5-111094925-G-C. GRCh37 (hg19) VCF-style: chr5-110430623-G-C.
Other names: short protein forms Q56H.
Identifiers: ClinVar variation 3898952 (VCV003898952.1).
Genomic context (GRCh38, chr5:111,094,925, plus strand): 5'-GTTATTATGATTATGTTTGTTAATGAAAATTTAACCTTTTTTCTTTTTTAAACAGGTTCA[G>C]AAACTTAGTCTGGTTGCAGTAAGTAAGTATGGACTTTATTCTGAATTTATGCACATCTAA-3'
Protein context (NP_644810.2, residues 46-66): VGKSFHTYDV[Gln56His]KLSLVAVSNS